The following is an entry in ClinVar:

ClinVar aggregate classification (germline): Benign/Likely benign. Review status: criteria provided, multiple submitters, no conflicts (2 of 4 stars). 8 submissions from 8 submitters: Benign (3); Likely benign (3). 2 of the submissions do not count toward it. Last evaluated 2026-02-01.

Conditions:
Familial cold autoinflammatory syndrome 3 (FCAS3). Also called: FAMILIAL ATYPICAL COLD URTICARIA; ANTIBODY DEFICIENCY AND IMMUNE DYSREGULATION, PLCG2-ASSOCIATED. Identifiers: Orphanet 300359, MedGen C3280914, MONDO:0013766, OMIM 614468.
Inborn genetic diseases. Identifiers: MedGen C0950123, MeSH D030342.

Allele frequency attached by ClinVar (database versions not stated): ESP Exome Variant Server 0.00157; gnomAD 0.00164 and 0.00135; TOPMed 0.00180; 1000 Genomes Project 0.00080; 1000 Genomes Project 30x 0.00094; ExAC 0.00123; gnomAD exomes 0.00123 and 0.00129.
gnomAD v4.1: 2,050 of 1,607,178 alleles (0.13%); highest among the groups gnomAD compares: Middle Eastern, 0.76%; 5 homozygotes.

Submissions (8):

Labcorp Genetics (formerly Invitae), Labcorp
Classification: Benign for Familial cold autoinflammatory syndrome 3. Last evaluated: 2026-02-01. Review status: criteria provided, single submitter. Criteria: Invitae Variant Classification Sherloc (09022015). Collection method: clinical testing. Allele origin: germline.

CeGaT Center for Human Genetics Tuebingen
Classification: Likely benign. Last evaluated: 2025-08-01. Review status: criteria provided, single submitter. Criteria: CeGaT Center For Human Genetics Tuebingen Variant Classification Criteria Version 2. Collection method: clinical testing. Allele origin: germline. Affected: yes. Observed: 15 variant alleles.
Comment: PLCG2: BP4, BP7

Blueprint Genetics
Classification: Likely benign. Last evaluated: 2024-11-24. Review status: criteria provided, single submitter. Criteria: ACMG Guidelines, 2015. Collection method: clinical testing. Allele origin: germline.

Ambry Genetics
Classification: Likely benign for Inborn genetic diseases. Last evaluated: 2024-01-23. Review status: criteria provided, single submitter. Criteria: Ambry Variant Classification Scheme 2023. Collection method: clinical testing. Allele origin: germline.

ARUP Laboratories, Molecular Genetics and Genomics, ARUP Laboratories
Classification: Benign. Last evaluated: 2023-11-22. Review status: criteria provided, single submitter. Criteria: ARUP Molecular Germline Variant Investigation Process 2024. Collection method: clinical testing. Allele origin: germline.

Breakthrough Genomics
Classification: Benign. Review status: criteria provided, single submitter. Criteria: ACMG Guidelines, 2015. Collection method: not provided. Allele origin: germline. Inheritance: Autosomal dominant inheritance. Affected: yes.

Clinical Genetics DNA and cytogenetics Diagnostics Lab, Erasmus MC, Erasmus Medical Center
Classification: Likely benign. Review status: no assertion criteria provided. Collection method: clinical testing. Allele origin: germline. Affected: yes. Study: VKGL Data-share Consensus. Not counted in ClinVar's aggregate classification.

Genome Diagnostics Laboratory, University Medical Center Utrecht
Classification: Likely benign. Review status: no assertion criteria provided. Collection method: clinical testing. Allele origin: germline. Affected: yes. Study: VKGL Data-share Consensus. Not counted in ClinVar's aggregate classification.

NM_002661.5(PLCG2):c.987G>A (p.Thr329=)

Gene: PLCG2 (phospholipase C gamma 2; plus strand). Cytogenetic location: 16q23.3.
Variant type: single nucleotide variant.
Coding change: c.987G>A on transcript NM_002661.5 (MANE Select); coding-DNA position 987, G replaced by A.
Protein change: p.Thr329=; no amino-acid change (threonine 329 retained).
Molecular consequence: synonymous variant.
Genome position (GRCh38, 1-based): chr16:81,893,709, G>A. VCF-style: chr16-81893709-G-A. GRCh37 (hg19) VCF-style: chr16-81927314-G-A.
Other names: c.987G>A (NM_002661.3).
Identifiers: ClinVar variation 472908 (VCV000472908.46), dbSNP rs200506549, ClinGen allele CA8193550.
Genomic context (GRCh38, chr16:81,893,709, plus strand): 5'-CTTGCCCCCCAACCCCTGTGGCTGCCACTCTCACACGGCCACCTGCCTTCTCTCCTGCAG[G>A]TACCTTACAGGTGACCAGCTGCGGAGCGAGTCGTCCCCAGAAGCTTACATCCGCTGCCTG-3'
Protein context (NP_002652.2, residues 319-339): SHYWISSSHN[Thr329=]YLTGDQLRSE